The following is an entry in ClinVar:

NM_015331.3(NCSTN):c.124A>G (p.Ile42Val)

Gene: NCSTN (nicastrin; plus strand). Cytogenetic location: 1q23.2.
Variant type: single nucleotide variant.
Coding change: c.124A>G on transcript NM_015331.3 (MANE Select); coding-DNA position 124, A replaced by G.
Protein change: p.Ile42Val; replaces isoleucine 42 with valine.
Molecular consequence: missense variant.
Genome position (GRCh38, 1-based): chr1:160,344,760, A>G. VCF-style: chr1-160344760-A-G. GRCh37 (hg19) VCF-style: chr1-160314550-A-G.
Other names: c.64A>G, p.Ile22Val (NM_001290184.2); c.124A>G, p.Ile42Val (NM_001290186.2, NM_001349729.2); short protein forms I22V, I42V.
Identifiers: ClinVar variation 1408951 (VCV001408951.8), dbSNP rs200640464, ClinGen allele CA1198608.
Genomic context (GRCh38, chr1:160,344,760, plus strand): 5'-ACACTTTTTATCTTCCGATCAGGTTTGTGCAGGGGAAACTCAGTGGAGAGGAAGATATAT[A>G]TCCCCTTAAATAAAACAGCTCCCTGTGTTCGCCTGCTCAACGCCACTCATCAGATTGGCT-3'
Protein context (NP_056146.1, residues 32-52): RGNSVERKIY[Ile42Val]PLNKTAPCVR

ClinVar aggregate classification (germline): Uncertain significance (1 of 4 stars; one submission).

Allele frequency attached by ClinVar (database versions not stated): gnomAD exomes below 0.00001; gnomAD 0.00001; TOPMed 0.00001; ExAC 0.00002.
gnomAD v4.1: 30 of 1,614,070 alleles (0.0019%); highest among the groups gnomAD compares: Non-Finnish European, 0.0025%; no homozygotes.

Submission:

Labcorp Genetics (formerly Invitae), Labcorp
Classification: Uncertain significance. Last evaluated: 2021-04-09. Review status: criteria provided, single submitter. Criteria: Invitae Variant Classification Sherloc (09022015). Collection method: clinical testing. Allele origin: germline.
Comment: In summary, the available evidence is currently insufficient to determine the role of this variant in disease. Therefore, it has been classified as a Variant of Uncertain Significance. Algorithms developed to predict the effect of missense changes on protein structure and function output the following: SIFT: "Tolerated"; PolyPhen-2: "Benign"; Align-GVGD: "Class C0". The valine amino acid residue is found in multiple mammalian species, suggesting that this missense change does not adversely affect protein function. These predictions have not been confirmed by published functional studies and their clinical significance is uncertain. This variant has not been reported in the literature in individuals with NCSTN-related conditions. This sequence change replaces isoleucine with valine at codon 42 of the NCSTN protein (p.Ile42Val). The isoleucine residue is moderately conserved and there is a small physicochemical difference between isoleucine and valine. This variant is present in population databases (rs200640464, ExAC 0.005%).